The following is an entry in ClinVar:

NM_024422.6(DSC2):c.2553del (p.Asp852fs)

Gene: DSC2 (desmocollin 2; minus strand). Cytogenetic location: 18q12.1.
Variant type: Deletion.
Coding change: c.2553del on transcript NM_024422.6 (MANE Select); coding-DNA position 2553, one base deleted (A; older notation c.2553delA).
Protein change: p.Asp852fs; shifts the reading frame from aspartic acid 852.
Molecular consequence: frameshift variant. On other transcripts: 3 prime UTR variant (1).
Genome position (GRCh38, 1-based): chr18:31,068,168, T deleted on the plus strand (A on the coding strand, the reverse complement: DSC2 is on the minus strand); the first of 2 consecutive T bases (chr18:31,068,168-31,068,169); deleting either gives the same sequence. VCF-style (leftmost placement, unchanged base first): chr18-31068167-CT-C. GRCh37 (hg19) VCF-style: chr18-28648133-CT-C.
Other names: c.*55del (NM_004949.5); short protein forms D852fs.
Identifiers: ClinVar variation 921942 (VCV000921942.3), dbSNP rs1374904618, ClinGen allele CA778390774.

ClinVar aggregate classification (germline): Uncertain significance (1 of 4 stars; one submission).

Conditions:
Cardiomyopathy (CMYO). Also called: Cardiomyopathies. Identifiers: Orphanet 167848, MedGen C0878544, MONDO:0004994, HP:0001638. Inheritance: Various modes of inheritance.

Submission:

Color Diagnostics, LLC DBA Color Health
Classification: Uncertain significance for Cardiomyopathy. Last evaluated: 2019-05-20. Review status: criteria provided, single submitter. Criteria: ACMG Guidelines, 2015. Collection method: clinical testing. Allele origin: germline.
Comment: This variant deletes 1 nucleotide in the last exon 16 of the DSC2 gene, creating a frameshift and premature translation stop signal. This variant is expected to result in a truncated protein product 47 amino acids shorter than the normal protein. To our knowledge, functional assays have not been performed for this variant nor has this variant been reported in individuals affected with cardiovascular disorders in the literature. This variant has not been identified in the general population by the Genome Aggregation Database (gnomAD). Available evidence is insufficient to determine the role of this variant in disease conclusively. Therefore, this variant is classified as a Variant of Uncertain Significance.